The following is an entry in ClinVar:

ClinVar aggregate classification (germline): Likely benign. Review status: criteria provided, multiple submitters, no conflicts (2 of 4 stars). 2 submissions from 2 submitters: Likely benign (2). Last evaluated 2025-01-28.

Conditions:
Tuberous sclerosis 1 (TSC1). Identifiers: Orphanet 805, MedGen C1854465, MONDO:0008612, OMIM 191100.

Allele frequency attached by ClinVar (database versions not stated): gnomAD 0.00001; TOPMed 0.00001.
gnomAD v4.1: 2 of 1,613,882 alleles (0.00012%); highest among the groups gnomAD compares: African/African-American, 0.0027%; no homozygotes.

Submissions (2):

Labcorp Genetics (formerly Invitae), Labcorp
Classification: Likely benign for Tuberous sclerosis 1. Last evaluated: 2025-01-28. Review status: criteria provided, single submitter. Criteria: Invitae Variant Classification Sherloc (09022015). Collection method: clinical testing. Allele origin: germline.

GeneDx
Classification: Likely benign. Last evaluated: 2016-06-23. Review status: criteria provided, single submitter. Criteria: GeneDx Variant Classification (06012015). Collection method: clinical testing. Allele origin: germline. Affected: yes.
Comment: This variant is considered likely benign or benign based on one or more of the following criteria: it is a conservative change, it occurs at a poorly conserved position in the protein, it is predicted to be benign by multiple in silico algorithms, and/or has population frequency not consistent with disease.

NM_000368.5(TSC1):c.508+18T>C

Gene: TSC1 (TSC complex subunit 1; minus strand). Cytogenetic location: 9q34.13.
Variant type: single nucleotide variant.
Coding change: c.508+18T>C on transcript NM_000368.5 (MANE Select); 18 bases into the intron after coding-DNA position 508, T replaced by C.
Molecular consequence: intron variant.
Genome position (GRCh38, 1-based): chr9:132,923,330, A>G on the plus strand (T>C on the coding strand, the complement: TSC1 is on the minus strand). VCF-style: chr9-132923330-A-G. GRCh37 (hg19) VCF-style: chr9-135798717-A-G.
Other names: c.145+18T>C (NM_001362177.2); c.355+18T>C (NM_001162427.2); c.508+18T>C (NM_001162426.2).
Identifiers: ClinVar variation 387022 (VCV000387022.8), dbSNP rs1057522667, ClinGen allele CA16605553.